The following is an entry in ClinVar:

NM_001130145.3(YAP1):c.283TTC[1] (p.Phe96del)

Gene: YAP1 (Yes1 associated transcriptional regulator; plus strand). Cytogenetic location: 11q22.1.
Variant type: Microsatellite.
Coding change: c.283TTC[1] on transcript NM_001130145.3 (MANE Select); one copy of the 3-base unit TTC starting at c.283; the reference has two copies in a row; one copy, 3 bases deleted.
Protein change: p.Phe96del; deletes phenylalanine 96.
Molecular consequence: inframe deletion.
Genome position (GRCh38, 1-based): chr11:102,111,134-102,111,136, TTC deleted; deleting any 3 consecutive bases within chr11:102,111,130-102,111,136 gives the same sequence; the position shown is the placement nearest the transcript's 3' end. VCF-style (leftmost placement, unchanged base first): chr11-102111129-CCTT-C. GRCh37 (hg19) VCF-style: chr11-101981860-CCTT-C.
Other names: c.283TTC[1], p.Phe96del (NM_001195044.2, NM_001282097.2, NM_001282098.2 and 4 more transcripts); short protein forms F96del.
Identifiers: ClinVar variation 2900514 (VCV002900514.3), dbSNP rs2496408254, ClinGen allele CA2574959182.

ClinVar aggregate classification (germline): Uncertain significance (1 of 4 stars; one submission).

Submission:

Labcorp Genetics (formerly Invitae), Labcorp
Classification: Uncertain significance. Last evaluated: 2023-01-05. Review status: criteria provided, single submitter. Criteria: Invitae Variant Classification Sherloc (09022015). Collection method: clinical testing. Allele origin: germline.
Comment: In summary, the available evidence is currently insufficient to determine the role of this variant in disease. Therefore, it has been classified as a Variant of Uncertain Significance. Experimental studies and prediction algorithms are not available or were not evaluated, and the functional significance of this variant is currently unknown. This variant has not been reported in the literature in individuals affected with YAP1-related conditions. This variant is not present in population databases (gnomAD no frequency). This variant, c.286_288del, results in the deletion of 1 amino acid(s) of the YAP1 protein (p.Phe96del), but otherwise preserves the integrity of the reading frame.